The following is an entry in ClinVar:

NM_020937.4(FANCM):c.340G>A (p.Gly114Arg)

Gene: FANCM (FA complementation group M; plus strand). Cytogenetic location: 14q21.2.
Variant type: single nucleotide variant.
Coding change: c.340G>A on transcript NM_020937.4 (MANE Select); coding-DNA position 340, G replaced by A.
Protein change: p.Gly114Arg; replaces glycine 114 with arginine.
Molecular consequence: missense variant.
Genome position (GRCh38, 1-based): chr14:45,136,371, G>A. VCF-style: chr14-45136371-G-A. GRCh37 (hg19) VCF-style: chr14-45605574-G-A.
Other names: c.340G>A, p.Gly114Arg (NM_001308133.2, NM_001308134.2); short protein forms G114R.
Identifiers: ClinVar variation 2136199 (VCV002136199.2), dbSNP rs376195946, ClinGen allele CA7168737.

ClinVar aggregate classification (germline): Uncertain significance. Review status: criteria provided, multiple submitters, no conflicts (2 of 4 stars). 2 submissions from 2 submitters: Uncertain significance (2). Last evaluated 2023-12-21.

Allele frequency attached by ClinVar (database versions not stated): gnomAD 0.00001; ESP Exome Variant Server 0.00008.

Submissions (2):

Blueprint Genetics
Classification: Uncertain significance. Last evaluated: 2023-12-21. Review status: criteria provided, single submitter. Criteria: ACMG Guidelines, 2015. Collection method: clinical testing. Allele origin: germline.

GeneDx
Classification: Uncertain significance. Last evaluated: 2023-01-19. Review status: criteria provided, single submitter. Criteria: GeneDx Variant Classification Process June 2021. Collection method: clinical testing. Allele origin: germline. Affected: yes.
Comment: Not observed at significant frequency in large population cohorts (gnomAD); In silico analysis supports that this missense variant has a deleterious effect on protein structure/function; Has not been previously published as pathogenic or benign to our knowledge